The following is an entry in ClinVar:

ClinVar aggregate classification (germline): Likely pathogenic (1 of 4 stars; one submission).

Conditions:
CYP11B2-related disorder.

Submission:

Clinical Biochemistry Laboratory, Health Services Laboratory
Classification: Likely pathogenic for CYP11B2-related disorder. Last evaluated: 2023-11-20. Review status: criteria provided, single submitter. Criteria: ACMG Guidelines, 2015. Collection method: clinical testing. Allele origin: germline. Affected: yes.
Comment: ACMG:PM1 PM2 PM3 PP4

NM_000498.3(CYP11B2):c.1342C>G (p.Arg448Gly)

Genes: CYP11B2 (cytochrome P450 family 11 subfamily B member 2; minus strand), LOC106799834 (CYP11B2 recombination region; plus strand). Cytogenetic location: 8q24.3.
Variant type: single nucleotide variant.
Coding change: c.1342C>G on transcript NM_000498.3 (MANE Select); coding-DNA position 1342, C replaced by G.
Protein change: p.Arg448Gly; replaces arginine 448 with glycine.
Molecular consequence: missense variant.
Genome position (GRCh38, 1-based): chr8:142,912,586, G>C on the plus strand (C>G on the coding strand, the complement: CYP11B2 is on the minus strand). VCF-style: chr8-142912586-G-C. GRCh37 (hg19) VCF-style: chr8-143994002-G-C.
Other names: short protein forms R448G.
Identifiers: ClinVar variation 2674694 (VCV002674694.1), dbSNP rs376248857, ClinGen allele CA187453435.